The following is an entry in ClinVar:

NM_001111.5(ADAR):c.999G>A (p.Val333=)

Gene: ADAR (adenosine deaminase RNA specific; minus strand). Cytogenetic location: 1q21.3.
Variant type: single nucleotide variant.
Coding change: c.999G>A on transcript NM_001111.5 (MANE Select); coding-DNA position 999, G replaced by A.
Protein change: p.Val333=; no amino-acid change (valine 333 retained).
Molecular consequence: synonymous variant.
Genome position (GRCh38, 1-based): chr1:154,601,643, C>T on the plus strand (G>A on the coding strand, the complement: ADAR is on the minus strand). VCF-style: chr1-154601643-C-T. GRCh37 (hg19) VCF-style: chr1-154574119-C-T.
Other names: c.114G>A, p.Val38= (NM_001025107.3, NM_001193495.2, NM_001365046.1 and 3 more transcripts); c.1026G>A, p.Val342= (NM_001365045.1); c.999G>A, p.Val333= (NM_015840.4, NM_015841.4).
Identifiers: ClinVar variation 1150752 (VCV001150752.24), dbSNP rs781217449, ClinGen allele CA1131606.
Genomic context (GRCh38, chr1:154,601,643, plus strand): 5'-CCATATGGGAGGGGTTGTCCCTTGTCTATAGACATCCCCCTGCCTTTCCATGTCAATTAG[C>T]ACAGCATTTATATCTCGGGCCTTGGTAAGGCCAATATTTTTAGCCAAATTCAGGGCAGAG-3'
Protein context (NP_001102.3, residues 323-343): GLTKARDINA[Val333=]LIDMERQGDV

ClinVar aggregate classification (germline): Likely benign. Review status: criteria provided, multiple submitters, no conflicts (2 of 4 stars). 3 submissions from 3 submitters: Likely benign (3). Last evaluated 2026-04-01.

Conditions:
Symmetrical dyschromatosis of extremities (DSH). Also called: DYSCHROMATOSIS SYMMETRICA HEREDITARIA 1; Dyschromatosis symmetrica hereditaria; RETICULATE ACROPIGMENTATION OF DOHI; SYMMETRIC DYSCHROMATOSIS OF THE EXTREMITIES. Identifiers: Orphanet 41, MedGen C0406775, MONDO:0007483, OMIM 127400.
Aicardi-Goutieres syndrome 6 (AGS6). Identifiers: Orphanet 51, MedGen C3539013, MONDO:0014007, OMIM 615010.

Allele frequency attached by ClinVar (database versions not stated): gnomAD exomes 0.00001; ExAC 0.00002.
gnomAD v4.1: 6 of 1,613,930 alleles (0.00037%); highest among the groups gnomAD compares: Non-Finnish European, 0.00051%; no homozygotes.

Submissions (3):

CeGaT Center for Human Genetics Tuebingen
Classification: Likely benign. Last evaluated: 2026-04-01. Review status: criteria provided, single submitter. Criteria: CeGaT Center For Human Genetics Tuebingen Variant Classification Criteria Version 2. Collection method: clinical testing. Allele origin: germline. Affected: yes. Observed: 2 variant alleles.
Comment: ADAR: BP4, BP7

Blueprint Genetics
Classification: Likely benign. Last evaluated: 2024-08-26. Review status: criteria provided, single submitter. Criteria: ACMG Guidelines, 2015. Collection method: clinical testing. Allele origin: germline.

Labcorp Genetics (formerly Invitae), Labcorp
Classification: Likely benign for Aicardi-Goutieres syndrome 6; Symmetrical dyschromatosis of extremities. Last evaluated: 2022-08-31. Review status: criteria provided, single submitter. Criteria: Invitae Variant Classification Sherloc (09022015). Collection method: clinical testing. Allele origin: germline.